The following is an entry in ClinVar:

NM_031308.4(EPPK1):c.5094C>T (p.Arg1698=)

Gene: EPPK1 (epiplakin 1; minus strand). Cytogenetic location: 8q24.3.
Variant type: single nucleotide variant.
Coding change: c.5094C>T on transcript NM_031308.4 (MANE Select); coding-DNA position 5094, C replaced by T.
Protein change: p.Arg1698=; no amino-acid change (arginine 1698 retained).
Molecular consequence: synonymous variant.
Genome position (GRCh38, 1-based): chr8:143,868,160, G>A on the plus strand (C>T on the coding strand, the complement: EPPK1 is on the minus strand). VCF-style: chr8-143868160-G-A. GRCh37 (hg19) VCF-style: chr8-144942328-G-A.
Identifiers: ClinVar variation 3035271 (VCV003035271.2), dbSNP rs146777869, ClinGen allele CA4922268.

ClinVar aggregate classification (germline): Benign (0 of 4 stars; one submission).

Conditions:
EPPK1-related disorder. Also called: EPPK1-related condition.

Allele frequency attached by ClinVar (database versions not stated): ExAC 0.00312; 1000 Genomes Project 0.01018; ESP Exome Variant Server 0.01021; gnomAD 0.01025; 1000 Genomes Project 30x 0.01140.
gnomAD v4.1: 3,550 of 1,613,138 alleles (0.22%); highest among the groups gnomAD compares: African/African-American, 3.6%; 50 homozygotes.

Submission:

PreventionGenetics, part of Exact Sciences
Classification: Benign for EPPK1-related condition. Last evaluated: 2021-04-14. Review status: no assertion criteria provided. Collection method: clinical testing. Allele origin: germline.
Comment: This variant is classified as benign based on ACMG/AMP sequence variant interpretation guidelines (Richards et al. 2015 PMID: 25741868, with internal and published modifications).